The following is an entry in ClinVar:

ClinVar aggregate classification (germline): Uncertain significance (1 of 4 stars; one submission).

Submission:

Labcorp Genetics (formerly Invitae), Labcorp
Classification: Uncertain significance. Last evaluated: 2022-10-18. Review status: criteria provided, single submitter. Criteria: Invitae Variant Classification Sherloc (09022015). Collection method: clinical testing. Allele origin: germline.
Comment: In summary, the available evidence is currently insufficient to determine the role of this variant in disease. Therefore, it has been classified as a Variant of Uncertain Significance. Algorithms developed to predict the effect of missense changes on protein structure and function (SIFT, PolyPhen-2, Align-GVGD) all suggest that this variant is likely to be disruptive. This sequence change replaces arginine, which is basic and polar, with proline, which is neutral and non-polar, at codon 221 of the NKX2-1 protein (p.Arg221Pro). This variant is not present in population databases (gnomAD no frequency). This variant has not been reported in the literature in individuals affected with NKX2-1-related conditions. ClinVar contains an entry for this variant (Variation ID: 1517904).

NM_001079668.3(NKX2-1):c.662G>C (p.Arg221Pro)

Genes: NKX2-1 (NK2 homeobox 1; minus strand), SFTA3 (surfactant associated 3; minus strand). Cytogenetic location: 14q13.3.
Variant type: single nucleotide variant.
Coding change: c.662G>C on transcript NM_001079668.3 (MANE Select); coding-DNA position 662, G replaced by C.
Protein change: p.Arg221Pro; replaces arginine 221 with proline.
Molecular consequence: missense variant.
Genome position (GRCh38, 1-based): chr14:36,517,822, C>G on the plus strand (G>C on the coding strand, the complement: NKX2-1 is on the minus strand). VCF-style: chr14-36517822-C-G. GRCh37 (hg19) VCF-style: chr14-36987027-C-G.
Other names: c.572G>C, p.Arg191Pro (NM_003317.4); short protein forms R221P, R191P.
Identifiers: ClinVar variation 1517904 (VCV001517904.6), dbSNP rs2139407475, ClinGen allele CA389459323.